The following is an entry in ClinVar:

NM_004519.4(KCNQ3):c.2441A>C (p.Asp814Ala)

Gene: KCNQ3 (potassium voltage-gated channel subfamily Q member 3; minus strand). Cytogenetic location: 8q24.22.
Variant type: single nucleotide variant.
Coding change: c.2441A>C on transcript NM_004519.4 (MANE Select); coding-DNA position 2441, A replaced by C.
Protein change: p.Asp814Ala; replaces aspartic acid 814 with alanine.
Molecular consequence: missense variant.
Genome position (GRCh38, 1-based): chr8:132,129,440, T>G on the plus strand (A>C on the coding strand, the complement: KCNQ3 is on the minus strand). VCF-style: chr8-132129440-T-G. GRCh37 (hg19) VCF-style: chr8-133141687-T-G.
Other names: c.2081A>C, p.Asp694Ala (NM_001204824.2); short protein forms D814A, D694A.
Identifiers: ClinVar variation 3703700 (VCV003703700.2).

ClinVar aggregate classification (germline): Uncertain significance (1 of 4 stars; one submission).

Conditions:
Benign neonatal seizures. Also called: Benign neonatal familial convulsions; Benign familial neonatal epilepsy; Benign familial neonatal seizures; Convulsions benign familial neonatal dominant form; Autosomal dominant form of benign neonatal seizures. Identifiers: Orphanet 1949, MedGen C0220669, MONDO:0016027.

gnomAD v4.1: 7 of 1,614,174 alleles (0.00043%); highest among the groups gnomAD compares: South Asian, 0.0077%; no homozygotes.

Submission:

Labcorp Genetics (formerly Invitae), Labcorp
Classification: Uncertain significance for Benign neonatal seizures. Last evaluated: 2025-02-20. Review status: criteria provided, single submitter. Criteria: Invitae Variant Classification Sherloc (09022015). Collection method: clinical testing. Allele origin: germline.
Comment: This sequence change replaces aspartic acid, which is acidic and polar, with alanine, which is neutral and non-polar, at codon 814 of the KCNQ3 protein (p.Asp814Ala). This variant is present in population databases (rs778009983, gnomAD 0.006%). This variant has not been reported in the literature in individuals affected with KCNQ3-related conditions. Invitae Evidence Modeling of protein sequence and biophysical properties (such as structural, functional, and spatial information, amino acid conservation, physicochemical variation, residue mobility, and thermodynamic stability) has been performed for this missense variant. However, the output from this modeling did not meet the statistical confidence thresholds required to predict the impact of this variant on KCNQ3 protein function. In summary, the available evidence is currently insufficient to determine the role of this variant in disease. Therefore, it has been classified as a Variant of Uncertain Significance.